The following is an entry in ClinVar:

NM_000297.4(PKD2):c.*384T>C

Gene: PKD2 (polycystin 2, transient receptor potential cation channel; plus strand). Cytogenetic location: 4q22.1.
Variant type: single nucleotide variant.
Coding change: c.*384T>C on transcript NM_000297.4 (MANE Select); 384 bases downstream of the stop codon, T replaced by C.
Molecular consequence: 3 prime UTR variant. On other transcripts: non-coding transcript variant (1).
Genome position (GRCh38, 1-based): chr4:88,076,078, T>C. VCF-style: chr4-88076078-T-C. GRCh37 (hg19) VCF-style: chr4-88997230-T-C.
Identifiers: ClinVar variation 904810 (VCV000904810.4), dbSNP rs192342290, ClinGen allele CA100895511.

ClinVar aggregate classification (germline): Likely benign (1 of 4 stars; one submission).

Conditions:
Polycystic kidney disease 2 (PKD2). Also called: Polycystic Kidney Disease 2, Autosomal Dominant; POLYCYSTIC KIDNEY DISEASE, ADULT, TYPE II; POLYCYSTIC KIDNEY DISEASE 2 WITH OR WITHOUT POLYCYSTIC LIVER DISEASE. Identifiers: MedGen C2751306, MONDO:0013131, OMIM 613095.

Allele frequency attached by ClinVar (database versions not stated): gnomAD exomes 0.00034; gnomAD 0.00222 and 0.00237; TOPMed 0.00234; 1000 Genomes Project 30x 0.00265; 1000 Genomes Project 0.00300.
gnomAD v4.1: 361 of 229,772 alleles (0.16%); highest among the groups gnomAD compares: African/African-American, 0.76%; no homozygotes.

Submission:

Illumina Laboratory Services, Illumina
Classification: Likely benign for Polycystic kidney disease 2. Last evaluated: 2018-01-13. Review status: criteria provided, single submitter. Criteria: ICSL Variant Classification Criteria 13 December 2019. Collection method: clinical testing. Allele origin: germline.
Comment: This variant was observed in the ICSL laboratory as part of a predisposition screen in an ostensibly healthy population. It had not been previously curated by ICSL or reported in the Human Gene Mutation Database (HGMD: prior to June 1st, 2018), and was therefore a candidate for classification through an automated scoring system. Utilizing variant allele frequency, disease prevalence and penetrance estimates, and inheritance mode, an automated score was calculated to assess if this variant is too frequent to cause the disease. Based on the score and internal cut-off values, a variant classified as likely benign is not then subjected to further curation. The score for this variant resulted in a classification of likely benign for this disease.